The following is an entry in ClinVar:

NM_004655.4(AXIN2):c.1829G>A (p.Arg610Gln)

Gene: AXIN2 (axin 2; minus strand). Cytogenetic location: 17q24.1.
Variant type: single nucleotide variant.
Coding change: c.1829G>A on transcript NM_004655.4 (MANE Select); coding-DNA position 1829, G replaced by A.
Protein change: p.Arg610Gln; replaces arginine 610 with glutamine.
Molecular consequence: missense variant. On other transcripts: intron variant (1).
Genome position (GRCh38, 1-based): chr17:65,536,947, C>T on the plus strand (G>A on the coding strand, the complement: AXIN2 is on the minus strand). VCF-style: chr17-65536947-C-T. GRCh37 (hg19) VCF-style: chr17-63533065-C-T.
Other names: c.1712+377G>A (NM_001363813.1); c.1829G>A (LRG_296t1); short protein forms R610Q.
Identifiers: ClinVar variation 240000 (VCV000240000.18), dbSNP rs376248072, ClinGen allele CA8718516.

ClinVar aggregate classification (germline): Conflicting classifications of pathogenicity. Review status: criteria provided, conflicting classifications (1 of 4 stars). 4 submissions from 4 submitters: Uncertain significance (2); Benign (1); Likely benign (1). Last evaluated 2026-01-19.

Conditions:
Hereditary cancer-predisposing syndrome. Also called: Tumor predisposition; Hereditary neoplastic syndrome; Hereditary Cancer Syndrome; Neoplastic Syndromes, Hereditary. Identifiers: Orphanet 140162, MedGen C0027672, MeSH D009386, MONDO:0015356.
Oligodontia-cancer predisposition syndrome. Also called: TOOTH AGENESIS-COLORECTAL CANCER SYNDROME. Identifiers: Orphanet 300576, MedGen C1837750, MONDO:0012075, OMIM 608615. Disease mechanism: loss of function.

Allele frequency attached by ClinVar (database versions not stated): 1000 Genomes Project 0.00020; ExAC 0.00004; gnomAD 0.00015 and 0.00018; TOPMed 0.00017; 1000 Genomes Project 30x 0.00016; ESP Exome Variant Server 0.00023.
gnomAD v4.1: 48 of 1,613,538 alleles (0.003%); highest among the groups gnomAD compares: African/African-American, 0.053%; no homozygotes.

Submissions (4):

Labcorp Genetics (formerly Invitae), Labcorp
Classification: Uncertain significance for Oligodontia-cancer predisposition syndrome. Last evaluated: 2026-01-19. Review status: criteria provided, single submitter. Criteria: Invitae Variant Classification Sherloc (09022015). Collection method: clinical testing. Allele origin: germline.
Comment: This sequence change replaces arginine, which is basic and polar, with glutamine, which is neutral and polar, at codon 610 of the AXIN2 protein (p.Arg610Gln). This variant is present in population databases (rs376248072, gnomAD 0.05%), and has an allele count higher than expected for a pathogenic variant. This variant has not been reported in the literature in individuals affected with AXIN2-related conditions. ClinVar contains an entry for this variant (Variation ID: 240000). Invitae Evidence Modeling of protein sequence and biophysical properties (such as structural, functional, and spatial information, amino acid conservation, physicochemical variation, residue mobility, and thermodynamic stability) indicates that this missense variant is not expected to disrupt AXIN2 protein function with a negative predictive value of 80%. In summary, the available evidence is currently insufficient to determine the role of this variant in disease. Therefore, it has been classified as a Variant of Uncertain Significance.

GeneDx
Classification: Uncertain significance. Last evaluated: 2024-07-17. Review status: criteria provided, single submitter. Criteria: GeneDx Variant Classification Process June 2021. Collection method: clinical testing. Allele origin: germline.
Comment: In silico analysis indicates that this missense variant does not alter protein structure/function; Has not been previously published as pathogenic or benign to our knowledge

Ambry Genetics
Classification: Benign for Hereditary cancer-predisposing syndrome. Last evaluated: 2023-07-03. Review status: criteria provided, single submitter. Criteria: Ambry Variant Classification Scheme 2023. Collection method: clinical testing. Allele origin: germline.

Quest Diagnostics Nichols Institute San Juan Capistrano
Classification: Likely benign. Last evaluated: 2023-05-01. Review status: criteria provided, single submitter. Criteria: Quest Diagnostics criteria. Collection method: clinical testing. Allele origin: unknown.